The following is an entry in ClinVar:

ClinVar aggregate classification (germline): Conflicting classifications of pathogenicity. Review status: criteria provided, conflicting classifications (1 of 4 stars). 6 submissions from 4 submitters: Uncertain significance (3); Benign (2); Likely benign (1). Last evaluated 2025-04-25.

Conditions:
Familial Mediterranean fever (FMF). Also called: Periodic peritonitis; Benign paroxysmal peritonitis; POLYSEROSITIS, FAMILIAL PAROXYSMAL; POLYSEROSITIS, RECURRENT. Identifiers: Orphanet 342, MedGen C0031069, MONDO:0018088, OMIM 249100. Disease mechanism: gain of function.
Familial Mediterranean fever, autosomal dominant. Also called: Dominant Familial Mediterranean Fever; FMF, AUTOSOMAL DOMINANT. Identifiers: Orphanet 342, MedGen C1851347, MONDO:0007601, OMIM 134610.
Acute febrile neutrophilic dermatosis (AFND). Also called: Sweet Syndrome; Gomm Button disease. Identifiers: Orphanet 3243, MedGen C0085077, MONDO:0011959, OMIM 608068.
Inborn genetic diseases. Identifiers: MedGen C0950123, MeSH D030342.

Allele frequency attached by ClinVar (database versions not stated): gnomAD 0.00001; TOPMed 0.00001; gnomAD exomes 0.00001.
gnomAD v4.1: 16 of 1,613,734 alleles (0.00099%); highest among the groups gnomAD compares: African/African-American, 0.004%; no homozygotes.

Submissions (6):

Ambry Genetics
Classification: Uncertain significance for Inborn genetic diseases. Last evaluated: 2025-04-25. Review status: criteria provided, single submitter. Criteria: Ambry Variant Classification Scheme 2023. Collection method: clinical testing. Allele origin: germline.

Genome-Nilou Lab
Classification: Likely benign for Familial Mediterranean fever. Last evaluated: 2023-02-08. Review status: criteria provided, single submitter. Criteria: ACMG Guidelines, 2015. Collection method: clinical testing. Allele origin: germline.

Genome-Nilou Lab
Classification: Benign for Familial Mediterranean fever, autosomal dominant. Last evaluated: 2023-02-08. Review status: criteria provided, single submitter. Criteria: ACMG Guidelines, 2015. Collection method: clinical testing. Allele origin: germline.

Genome-Nilou Lab
Classification: Benign for Acute febrile neutrophilic dermatosis. Last evaluated: 2023-02-08. Review status: criteria provided, single submitter. Criteria: ACMG Guidelines, 2015. Collection method: clinical testing. Allele origin: germline.

Fulgent Genetics
Classification: Uncertain significance for Familial Mediterranean fever, autosomal dominant; Familial Mediterranean fever; Acute febrile neutrophilic dermatosis. Last evaluated: 2022-01-13. Review status: criteria provided, single submitter. Criteria: ACMG Guidelines, 2015. Collection method: clinical testing. Allele origin: unknown.

Labcorp Genetics (formerly Invitae), Labcorp
Classification: Uncertain significance for Familial Mediterranean fever. Last evaluated: 2021-09-15. Review status: criteria provided, single submitter. Criteria: Invitae Variant Classification Sherloc (09022015). Collection method: clinical testing. Allele origin: germline.
Comment: This sequence change replaces arginine with cysteine at codon 329 of the MEFV protein (p.Arg329Cys). The arginine residue is weakly conserved and there is a large physicochemical difference between arginine and cysteine. This variant is not present in population databases (ExAC no frequency). This variant has not been reported in the literature in individuals affected with MEFV-related conditions. Algorithms developed to predict the effect of missense changes on protein structure and function are either unavailable or do not agree on the potential impact of this missense change (SIFT: "Deleterious"; PolyPhen-2: "Benign"; Align-GVGD: "Class C25"). In summary, the available evidence is currently insufficient to determine the role of this variant in disease. Therefore, it has been classified as a Variant of Uncertain Significance.

NM_000243.3(MEFV):c.985C>T (p.Arg329Cys)

Gene: MEFV (MEFV innate immunity regulator, pyrin; minus strand). Cytogenetic location: 16p13.3.
Variant type: single nucleotide variant.
Coding change: c.985C>T on transcript NM_000243.3 (MANE Select); coding-DNA position 985, C replaced by T.
Protein change: p.Arg329Cys; replaces arginine 329 with cysteine.
Molecular consequence: missense variant.
Genome position (GRCh38, 1-based): chr16:3,249,706, G>A on the plus strand (C>T on the coding strand, the complement: MEFV is on the minus strand). VCF-style: chr16-3249706-G-A. GRCh37 (hg19) VCF-style: chr16-3299706-G-A.
Other names: c.985C>T (NM_000243.2); c.352C>T, p.Arg118Cys (NM_001198536.2); short protein forms R329C, R118C.
Identifiers: ClinVar variation 1385081 (VCV001385081.5), dbSNP rs757216434, ClinGen allele CA276899005.